The following is an entry in ClinVar:

ClinVar aggregate classification (germline): Conflicting classifications of pathogenicity. Review status: criteria provided, conflicting classifications (1 of 4 stars). 3 submissions from 3 submitters: Uncertain significance (1); Benign (1); Likely benign (1). Last evaluated 2025-10-07.

Conditions:
Hyperalphalipoproteinemia 1 (HALP1). Also called: CETP-Related Hyperalphalipoproteinemia; CETP DEFICIENCY. Identifiers: MedGen C3149462, OMIM 143470.

Allele frequency attached by ClinVar (database versions not stated): TOPMed 0.00032; 1000 Genomes Project 0.00040; gnomAD 0.00044 and 0.00046; gnomAD exomes 0.00044 and 0.00063; 1000 Genomes Project 30x 0.00047; ExAC 0.00049; ESP Exome Variant Server 0.00092.
gnomAD v4.1: 978 of 1,614,058 alleles (0.061%); highest among the groups gnomAD compares: Non-Finnish European, 0.074%; no homozygotes.

Submissions (3):

Labcorp Genetics (formerly Invitae), Labcorp
Classification: Likely benign. Last evaluated: 2025-10-07. Review status: criteria provided, single submitter. Criteria: Invitae Variant Classification Sherloc (09022015). Collection method: clinical testing. Allele origin: germline.

Illumina Laboratory Services, Illumina
Classification: Benign for Hyperalphalipoproteinemia 1. Last evaluated: 2018-01-13. Review status: criteria provided, single submitter. Criteria: ICSL Variant Classification Criteria 13 December 2019. Collection method: clinical testing. Allele origin: germline.
Comment: This variant was observed in the ICSL laboratory as part of a predisposition screen in an ostensibly healthy population. It had not been previously curated by ICSL or reported in the Human Gene Mutation Database (HGMD: prior to June 1st, 2018), and was therefore a candidate for classification through an automated scoring system. Utilizing variant allele frequency, disease prevalence and penetrance estimates, and inheritance mode, an automated score was calculated to assess if this variant is too frequent to cause the disease. Based on the score and internal cut-off values, a variant classified as benign is not then subjected to further curation. The score for this variant resulted in a classification of benign for this disease.

Eurofins Ntd Llc (ga)
Classification: Uncertain significance. Last evaluated: 2017-11-30. Review status: criteria provided, single submitter. Criteria: EGL Classification Definitions 2015. Collection method: clinical testing. Allele origin: germline. Observed: 1 variant allele, 1 heterozygote.

NM_000078.3(CETP):c.940G>A (p.Glu314Lys)

Gene: CETP (cholesteryl ester transfer protein; plus strand). Cytogenetic location: 16q13.
Variant type: single nucleotide variant.
Coding change: c.940G>A on transcript NM_000078.3 (MANE Select); coding-DNA position 940, G replaced by A.
Protein change: p.Glu314Lys; replaces glutamic acid 314 with lysine.
Molecular consequence: missense variant.
Genome position (GRCh38, 1-based): chr16:56,975,110, G>A. VCF-style: chr16-56975110-G-A. GRCh37 (hg19) VCF-style: chr16-57009022-G-A.
Other names: c.760G>A, p.Glu254Lys (NM_001286085.2); short protein forms E314K, E254K.
Identifiers: ClinVar variation 319985 (VCV000319985.18), dbSNP rs140547417, ClinGen allele CA8071163.